The following is an entry in ClinVar:

ClinVar aggregate classification (germline): Uncertain significance (1 of 4 stars; one submission).

Conditions:
Hereditary cancer-predisposing syndrome. Also called: Tumor predisposition; Neoplastic Syndromes, Hereditary; Hereditary Cancer Syndrome; Hereditary neoplastic syndrome. Identifiers: Orphanet 140162, MedGen C0027672, MeSH D009386, MONDO:0015356.

Submission:

Ambry Genetics
Classification: Uncertain significance for Hereditary cancer-predisposing syndrome. Last evaluated: 2024-12-20. Review status: criteria provided, single submitter. Criteria: Ambry Variant Classification Scheme 2023. Collection method: clinical testing. Allele origin: germline.
Comment: The p.H806D variant (also known as c.2416C>G), located in coding exon 15 of the APC gene, results from a C to G substitution at nucleotide position 2416. The histidine at codon 806 is replaced by aspartic acid, an amino acid with similar properties. This amino acid position is conserved. In addition, in silico predictors for this gene do not accurately predict pathogenicity. Based on the available evidence, the clinical significance of this variant remains unclear.

NM_000038.6(APC):c.2416C>G (p.His806Asp)

Gene: APC (APC regulator of Wnt signaling pathway; plus strand). Cytogenetic location: 5q22.2.
Variant type: single nucleotide variant.
Coding change: c.2416C>G on transcript NM_000038.6 (MANE Select); coding-DNA position 2416, C replaced by G.
Protein change: p.His806Asp; replaces histidine 806 with aspartic acid.
Molecular consequence: missense variant. On other transcripts: non-coding transcript variant (2).
Genome position (GRCh38, 1-based): chr5:112,838,010, C>G. VCF-style: chr5-112838010-C-G. GRCh37 (hg19) VCF-style: chr5-112173707-C-G.
Other names: c.2500C>G, p.His834Asp (NM_001407446.1); c.2470C>G, p.His824Asp (NM_001407447.1, NM_001407448.1, NM_001407449.1 and 1 more transcripts); c.2416C>G, p.His806Asp (NM_001407450.1, NM_001127510.3, NM_001354895.2); c.2395C>G, p.His799Asp (NM_001407451.1); c.2386C>G, p.His796Asp (NM_001407452.1); c.2239C>G, p.His747Asp (NM_001407453.1, NM_001354901.2); c.2167C>G, p.His723Asp (NM_001407454.1, NM_001407455.1, NM_001407456.1 and 1 more transcripts); c.2113C>G, p.His705Asp (NM_001407458.1, NM_001407459.1, NM_001407460.1 and 1 more transcripts); and 11 more; short protein forms H646D, H796D, H806D, H422D, H705D, H715D, H788D, H834D.
Identifiers: ClinVar variation 3881348 (VCV003881348.1).